The following is an entry in ClinVar:

ClinVar aggregate classification (germline): Uncertain significance. Review status: criteria provided, multiple submitters, no conflicts (2 of 4 stars). 2 submissions from 2 submitters: Uncertain significance (2). Last evaluated 2025-07-09.

Conditions:
Gorlin syndrome. Also called: Nevoid Basal Cell Carcinoma Syndrome; Basal cell nevus syndrome. Identifiers: Orphanet 377, MedGen C0004779, MONDO:0007187.
Hereditary cancer-predisposing syndrome. Also called: Neoplastic Syndromes, Hereditary; Hereditary neoplastic syndrome; Hereditary Cancer Syndrome; Tumor predisposition. Identifiers: Orphanet 140162, MedGen C0027672, MeSH D009386, MONDO:0015356.

Submissions (2):

Ambry Genetics
Classification: Uncertain significance for Hereditary cancer-predisposing syndrome. Last evaluated: 2025-07-09. Review status: criteria provided, single submitter. Criteria: Ambry Variant Classification Scheme 2023. Collection method: clinical testing. Allele origin: germline.
Comment: The p.D632G variant (also known as c.1895A>G), located in coding exon 14 of the PTCH1 gene, results from an A to G substitution at nucleotide position 1895. The aspartic acid at codon 632 is replaced by glycine, an amino acid with similar properties. This amino acid position is conserved. In addition, the in silico prediction for this alteration is inconclusive. Based on the available evidence, the clinical significance of this variant remains unclear.

Labcorp Genetics (formerly Invitae), Labcorp
Classification: Uncertain significance for Gorlin syndrome. Last evaluated: 2025-02-27. Review status: criteria provided, single submitter. Criteria: Invitae Variant Classification Sherloc (09022015). Collection method: clinical testing. Allele origin: germline.
Comment: This sequence change replaces aspartic acid, which is acidic and polar, with glycine, which is neutral and non-polar, at codon 632 of the PTCH1 protein (p.Asp632Gly). This variant is not present in population databases (gnomAD no frequency). This variant has not been reported in the literature in individuals affected with PTCH1-related conditions. ClinVar contains an entry for this variant (Variation ID: 2149256). Invitae Evidence Modeling of protein sequence and biophysical properties (such as structural, functional, and spatial information, amino acid conservation, physicochemical variation, residue mobility, and thermodynamic stability) indicates that this missense variant is not expected to disrupt PTCH1 protein function with a negative predictive value of 95%. In summary, the available evidence is currently insufficient to determine the role of this variant in disease. Therefore, it has been classified as a Variant of Uncertain Significance.

NM_000264.5(PTCH1):c.1895A>G (p.Asp632Gly)

Genes: PTCH1 (patched 1; minus strand), LOC100507346 (uncharacterized LOC100507346; plus strand). Cytogenetic location: 9q22.32.
Variant type: single nucleotide variant.
Coding change: c.1895A>G on transcript NM_000264.5 (MANE Select); coding-DNA position 1895, A replaced by G.
Protein change: p.Asp632Gly; replaces aspartic acid 632 with glycine.
Molecular consequence: missense variant. On other transcripts: non-coding transcript variant (2).
Genome position (GRCh38, 1-based): chr9:95,469,106, T>C on the plus strand (A>G on the coding strand, the complement: PTCH1 is on the minus strand). VCF-style: chr9-95469106-T-C. GRCh37 (hg19) VCF-style: chr9-98231388-T-C.
Other names: c.1697A>G, p.Asp566Gly (NM_001083602.3); c.1892A>G, p.Asp631Gly (NM_001083603.3); c.1442A>G, p.Asp481Gly (NM_001083604.3, NM_001083605.3, NM_001083606.3 and 1 more transcripts); c.1739A>G, p.Asp580Gly (NM_001354918.2); short protein forms D566G, D580G, D481G, D631G, D632G.
Identifiers: ClinVar variation 2149256 (VCV002149256.4), dbSNP rs2118057798, ClinGen allele CA374116096.